The following is an entry in ClinVar:

ClinVar aggregate classification (germline): Uncertain significance (1 of 4 stars; one submission).

Conditions:
Familial adenomatous polyposis 1 (FAP1). Also called: FAMILIAL ADENOMATOUS POLYPOSIS 1, ATTENUATED; POLYPOSIS, ADENOMATOUS INTESTINAL. Identifiers: MedGen C2713442, MONDO:0021056, OMIM 175100. Disease mechanism: loss of function.

Submission:

Labcorp Genetics (formerly Invitae), Labcorp
Classification: Uncertain significance for Familial adenomatous polyposis 1. Last evaluated: 2022-06-03. Review status: criteria provided, single submitter. Criteria: Invitae Variant Classification Sherloc (09022015). Collection method: clinical testing. Allele origin: germline.
Comment: This variant has not been reported in the literature in individuals affected with APC-related conditions. This variant is not present in population databases (gnomAD no frequency). This sequence change replaces arginine, which is basic and polar, with threonine, which is neutral and polar, at codon 194 of the APC protein (p.Arg194Thr). ClinVar contains an entry for this variant (Variation ID: 969674). In summary, the available evidence is currently insufficient to determine the role of this variant in disease. Therefore, it has been classified as a Variant of Uncertain Significance. Algorithms developed to predict the effect of missense changes on protein structure and function are either unavailable or do not agree on the potential impact of this missense change (SIFT: "Tolerated"; PolyPhen-2: "Probably Damaging"; Align-GVGD: "Class C0").

NM_000038.6(APC):c.581G>C (p.Arg194Thr)

Gene: APC (APC regulator of Wnt signaling pathway; plus strand). Cytogenetic location: 5q22.2.
Variant type: single nucleotide variant.
Coding change: c.581G>C on transcript NM_000038.6 (MANE Select); coding-DNA position 581, G replaced by C.
Protein change: p.Arg194Thr; replaces arginine 194 with threonine.
Molecular consequence: missense variant. On other transcripts: 5 prime UTR variant (1).
Genome position (GRCh38, 1-based): chr5:112,780,839, G>C. VCF-style: chr5-112780839-G-C. GRCh37 (hg19) VCF-style: chr5-112116536-G-C.
Other names: c.581G>C, p.Arg194Thr (NM_001127510.3, NM_001354895.2, NM_001354896.2 and 2 more transcripts); c.611G>C, p.Arg204Thr (NM_001127511.3, NM_001354897.2, NM_001354902.2); c.506G>C, p.Arg169Thr (NM_001354898.2, NM_001354904.2); c.404G>C, p.Arg135Thr (NM_001354900.2, NM_001354901.2, NM_001354905.2); c.-455G>C (NM_001354906.2); short protein forms R204T, R135T, R169T, R194T.
Identifiers: ClinVar variation 969674 (VCV000969674.11), dbSNP rs200740020, ClinGen allele CA16022606.
Genomic context (GRCh38, chr5:112,780,839, plus strand): 5'-TGTGGTTTTAGTTTTCCTTACAAACAGATATGACCAGAAGGCAATTGGAATATGAAGCAA[G>C]GCAAATCAGAGTTGCGATGGAAGAACAACTAGGTACCTGCCAGGATATGGAAAAACGAGC-3'
Protein context (NP_000029.2, residues 184-204): MTRRQLEYEA[Arg194Thr]QIRVAMEEQL